The following is an entry in ClinVar:

ClinVar aggregate classification (germline): Likely benign. Review status: criteria provided, multiple submitters, no conflicts (2 of 4 stars). 2 submissions from 2 submitters: Likely benign (2). Last evaluated 2023-02-01.

Allele frequency attached by ClinVar (database versions not stated): gnomAD exomes below 0.00001; gnomAD 0.00001; TOPMed 0.00001.

Submissions (2):

CeGaT Center for Human Genetics Tuebingen
Classification: Likely benign. Last evaluated: 2023-02-01. Review status: criteria provided, single submitter. Criteria: CeGaT Center For Human Genetics Tuebingen Variant Classification Criteria Version 2. Collection method: clinical testing. Allele origin: germline. Affected: yes. Observed: 1 variant allele.
Comment: MYH9: BP4, BP7

Laboratory for Molecular Medicine, Mass General Brigham Personalized Medicine
Classification: Likely benign. Last evaluated: 2016-03-03. Review status: criteria provided, single submitter. Criteria: LMM Criteria. Collection method: clinical testing. Allele origin: germline. Observed: 1 variant allele.
Comment: p.Phe1341Phe in exon 30 of MYH9: This variant is not expected to have clinical s ignificance because it does not alter an amino acid residue and is not located w ithin the splice consensus sequence.

NM_002473.6(MYH9):c.4023C>T (p.Phe1341=)

Gene: MYH9 (myosin heavy chain 9; minus strand). Cytogenetic location: 22q12.3.
Variant type: single nucleotide variant.
Coding change: c.4023C>T on transcript NM_002473.6 (MANE Select); coding-DNA position 4023, C replaced by T.
Protein change: p.Phe1341=; no amino-acid change (phenylalanine 1341 retained).
Molecular consequence: synonymous variant.
Genome position (GRCh38, 1-based): chr22:36,293,401, G>A on the plus strand (C>T on the coding strand, the complement: MYH9 is on the minus strand). VCF-style: chr22-36293401-G-A. GRCh37 (hg19) VCF-style: chr22-36689447-G-A.
Identifiers: ClinVar variation 227610 (VCV000227610.32), dbSNP rs876657521, ClinGen allele CA10577136.